The following is an entry in ClinVar:

NM_000548.5(TSC2):c.1271T>G (p.Leu424Arg)

Gene: TSC2 (TSC complex subunit 2; plus strand). Cytogenetic location: 16p13.3.
Variant type: single nucleotide variant.
Coding change: c.1271T>G on transcript NM_000548.5 (MANE Select); coding-DNA position 1271, T replaced by G.
Protein change: p.Leu424Arg; replaces leucine 424 with arginine.
Molecular consequence: missense variant.
Genome position (GRCh38, 1-based): chr16:2,062,510, T>G. VCF-style: chr16-2062510-T-G. GRCh37 (hg19) VCF-style: chr16-2112511-T-G.
Other names: c.1271T>G, p.Leu424Arg (NM_001114382.3, NM_001077183.3, NM_001363528.2 and 3 more transcripts); c.1160T>G, p.Leu387Arg (NM_001318827.2); c.1124T>G, p.Leu375Arg (NM_001318829.2); c.671T>G, p.Leu224Arg (NM_001318831.2); c.1304T>G, p.Leu435Arg (NM_001318832.2); c.1271T>G (NM_000548.3); short protein forms L224R, L424R, L375R, L387R, L435R.
Identifiers: ClinVar variation 1396729 (VCV001396729.10), dbSNP rs1468287623, ClinGen allele CA394321889.

ClinVar aggregate classification (germline): Uncertain significance. Review status: criteria provided, multiple submitters, no conflicts (2 of 4 stars). 3 submissions from 3 submitters: Uncertain significance (3). Last evaluated 2025-11-24.

Conditions:
Tuberous sclerosis 2 (TSC2). Identifiers: Orphanet 805, MedGen C1860707, MONDO:0013199, OMIM 613254.
Tuberous sclerosis syndrome (TSC). Also called: Tuberous Sclerosis Complex; Tuberous sclerosis. Identifiers: Orphanet 805, MedGen C0041341, MONDO:0001734.
Hereditary cancer-predisposing syndrome. Also called: Hereditary neoplastic syndrome; Neoplastic Syndromes, Hereditary; Hereditary Cancer Syndrome; Tumor predisposition. Identifiers: Orphanet 140162, MedGen C0027672, MeSH D009386, MONDO:0015356.

Submissions (3):

Labcorp Genetics (formerly Invitae), Labcorp
Classification: Uncertain significance for Tuberous sclerosis 2. Last evaluated: 2025-11-24. Review status: criteria provided, single submitter. Criteria: Invitae Variant Classification Sherloc (09022015). Collection method: clinical testing. Allele origin: germline.
Comment: This sequence change replaces leucine, which is neutral and non-polar, with arginine, which is basic and polar, at codon 424 of the TSC2 protein (p.Leu424Arg). This variant is not present in population databases (gnomAD no frequency). This variant has not been reported in the literature in individuals affected with TSC2-related conditions. ClinVar contains an entry for this variant (Variation ID: 1396729). Invitae Evidence Modeling of protein sequence and biophysical properties (such as structural, functional, and spatial information, amino acid conservation, physicochemical variation, residue mobility, and thermodynamic stability) indicates that this missense variant is not expected to disrupt TSC2 protein function with a negative predictive value of 95%. In summary, the available evidence is currently insufficient to determine the role of this variant in disease. Therefore, it has been classified as a Variant of Uncertain Significance.

Color Diagnostics, LLC DBA Color Health
Classification: Uncertain significance for Tuberous sclerosis syndrome. Last evaluated: 2025-06-30. Review status: criteria provided, single submitter. Criteria: ACMG Guidelines, 2015. Collection method: clinical testing. Allele origin: germline.
Comment: This missense variant replaces leucine with arginine at codon 424 of the TSC2 protein. Computational prediction suggests that this variant may have deleterious impact on protein structure and function. To our knowledge, functional studies have not been reported for this variant. This variant has not been reported in individuals affected with TSC2-related disorders in the literature. This variant has not been identified in the general population by the Genome Aggregation Database (gnomAD). The available evidence is insufficient to determine the role of this variant in disease conclusively. Therefore, this variant is classified as a Variant of Uncertain Significance.

Ambry Genetics
Classification: Uncertain significance for Hereditary cancer-predisposing syndrome. Last evaluated: 2025-06-24. Review status: criteria provided, single submitter. Criteria: Ambry Variant Classification Scheme 2023. Collection method: clinical testing. Allele origin: germline.